The following is an entry in ClinVar:

ClinVar aggregate classification (germline): Pathogenic (1 of 4 stars; one submission).

Allele frequency attached by ClinVar (database versions not stated): TOPMed below 0.00001.

Submission:

Labcorp Genetics (formerly Invitae), Labcorp
Classification: Pathogenic. Last evaluated: 2022-12-27. Review status: criteria provided, single submitter. Criteria: Invitae Variant Classification Sherloc (09022015). Collection method: clinical testing. Allele origin: germline.
Comment: This variant is not present in population databases (gnomAD no frequency). This sequence change creates a premature translational stop signal (p.Ser30*) in the HPS6 gene. While this is not anticipated to result in nonsense mediated decay, it is expected to disrupt the last 746 amino acid(s) of the HPS6 protein. This variant has not been reported in the literature in individuals affected with HPS6-related conditions. This variant disrupts a region of the HPS6 protein in which other variant(s) (p.Arg607*) have been determined to be pathogenic (PMID: 29345414, 30387913, 32725903). This suggests that this is a clinically significant region of the protein, and that variants that disrupt it are likely to be disease-causing. For these reasons, this variant has been classified as Pathogenic.

Literature cited by the submitters: PubMed 29345414; PubMed 30387913; PubMed 32725903.

NM_024747.6(HPS6):c.89C>G (p.Ser30Ter)

Genes: HPS6 (HPS6 biogenesis of lysosomal organelles complex 2 subunit 3; plus strand), LOC130004578 (ATAC-STARR-seq lymphoblastoid silent region 2738; plus strand). Cytogenetic location: 10q24.32.
Variant type: single nucleotide variant.
Coding change: c.89C>G on transcript NM_024747.6 (MANE Select); coding-DNA position 89, C replaced by G.
Protein change: p.Ser30Ter; replaces serine 30 with a stop codon.
Molecular consequence: nonsense.
Genome position (GRCh38, 1-based): chr10:102,065,563, C>G. VCF-style: chr10-102065563-C-G. GRCh37 (hg19) VCF-style: chr10-103825320-C-G.
Other names: short protein forms S30*.
Identifiers: ClinVar variation 2824592 (VCV002824592.3), dbSNP rs1426841665, ClinGen allele CA377854216.